The following is an entry in ClinVar:

ClinVar aggregate classification (germline): Conflicting classifications of pathogenicity. Review status: criteria provided, conflicting classifications (1 of 4 stars). 3 submissions from 3 submitters: Uncertain significance (2); Likely benign (1). Last evaluated 2024-10-25.

Conditions:
Idiopathic generalized epilepsy. Also called: EIG; Generalised epilepsy. Identifiers: MedGen C0270850, MONDO:0005579, OMIM 600669.
Hyperaldosteronism, familial, type IV (HALD4). Also called: FH IV; ALDOSTERONISM, PRIMARY, AND HYPERTENSION. Identifiers: Orphanet 642671, MedGen C4310756, MONDO:0014875, OMIM 617027.
Epilepsy, childhood absence, susceptibility to, 6. Identifiers: Orphanet 64280, MedGen C2749872, MONDO:0012763, OMIM 611942.
Inborn genetic diseases. Identifiers: MedGen C0950123, MeSH D030342.

Allele frequency attached by ClinVar (database versions not stated): gnomAD 0.00002; TOPMed 0.00003; ESP Exome Variant Server 0.00008.
gnomAD v4.1: 21 of 1,605,402 alleles (0.0013%); highest among the groups gnomAD compares: Admixed American, 0.0067%; no homozygotes.

Submissions (3):

Ambry Genetics
Classification: Likely benign for Inborn genetic diseases. Last evaluated: 2024-10-25. Review status: criteria provided, single submitter. Criteria: Ambry Variant Classification Scheme 2023. Collection method: clinical testing. Allele origin: germline.

Labcorp Genetics (formerly Invitae), Labcorp
Classification: Uncertain significance for Idiopathic generalized epilepsy; Hyperaldosteronism, familial, type IV. Last evaluated: 2024-06-24. Review status: criteria provided, single submitter. Criteria: Invitae Variant Classification Sherloc (09022015). Collection method: clinical testing. Allele origin: germline.
Comment: This sequence change replaces alanine, which is neutral and non-polar, with valine, which is neutral and non-polar, at codon 1341 of the CACNA1H protein (p.Ala1341Val). This variant is present in population databases (rs371030255, gnomAD 0.01%). This variant has not been reported in the literature in individuals affected with CACNA1H-related conditions. ClinVar contains an entry for this variant (Variation ID: 529587). Advanced modeling of protein sequence and biophysical properties (such as structural, functional, and spatial information, amino acid conservation, physicochemical variation, residue mobility, and thermodynamic stability) performed at Invitae indicates that this missense variant is not expected to disrupt CACNA1H protein function with a negative predictive value of 80%. In summary, the available evidence is currently insufficient to determine the role of this variant in disease. Therefore, it has been classified as a Variant of Uncertain Significance.

Fulgent Genetics
Classification: Uncertain significance for Epilepsy, childhood absence, susceptibility to, 6; Hyperaldosteronism, familial, type IV. Last evaluated: 2024-05-01. Review status: criteria provided, single submitter. Criteria: ACMG Guidelines, 2015. Collection method: clinical testing. Allele origin: germline.

NM_021098.3(CACNA1H):c.4022C>T (p.Ala1341Val)

Gene: CACNA1H (calcium voltage-gated channel subunit alpha1 H; plus strand). Cytogenetic location: 16p13.3.
Variant type: single nucleotide variant.
Coding change: c.4022C>T on transcript NM_021098.3 (MANE Select); coding-DNA position 4022, C replaced by T.
Protein change: p.Ala1341Val; replaces alanine 1341 with valine.
Molecular consequence: missense variant.
Genome position (GRCh38, 1-based): chr16:1,210,635, C>T. VCF-style: chr16-1210635-C-T. GRCh37 (hg19) VCF-style: chr16-1260635-C-T.
Other names: c.4022C>T, p.Ala1341Val (NM_001005407.2); short protein forms A1341V.
Identifiers: ClinVar variation 529587 (VCV000529587.13), dbSNP rs371030255, ClinGen allele CA7801081.